The following is an entry in ClinVar:

ClinVar aggregate classification (germline): Benign/Likely benign. Review status: criteria provided, multiple submitters, no conflicts (2 of 4 stars). 6 submissions from 6 submitters: Benign (3); Likely benign (1). 2 of the submissions do not count toward it. Last evaluated 2026-06-01.

Conditions:
RNF213-related disorder. Also called: RNF213-related condition.
Moyamoya disease 2 (MYMY2). Also called: MOYAMOYA DISEASE 2, SUSCEPTIBILITY TO. Identifiers: Orphanet 2573, MedGen C1846689, MONDO:0011784, OMIM 607151.

Allele frequency attached by ClinVar (database versions not stated): 1000 Genomes Project 0.00180; 1000 Genomes Project 30x 0.00265; gnomAD 0.00389; TOPMed 0.00479; ESP Exome Variant Server 0.00701.
gnomAD v4.1: 11,428 of 1,537,234 alleles (0.74%); highest among the groups gnomAD compares: Non-Finnish European, 0.9%; 57 homozygotes.

Submissions (6):

CeGaT Center for Human Genetics Tuebingen
Classification: Likely benign. Last evaluated: 2026-06-01. Review status: criteria provided, single submitter. Criteria: CeGaT Center For Human Genetics Tuebingen Variant Classification Criteria Version 2. Collection method: clinical testing. Allele origin: germline. Affected: yes. Observed: 10 variant alleles.
Comment: RNF213: BS2

Labcorp Genetics (formerly Invitae), Labcorp
Classification: Benign. Last evaluated: 2026-01-05. Review status: criteria provided, single submitter. Criteria: Invitae Variant Classification Sherloc (09022015). Collection method: clinical testing. Allele origin: germline.

Mayo Clinic Laboratories, Mayo Clinic
Classification: Benign. Last evaluated: 2024-12-20. Review status: criteria provided, single submitter. Criteria: ACMG Guidelines, 2015. Collection method: clinical testing. Allele origin: germline. Observed: 2 variant alleles.
Comment: BS1, BS2, BP4_moderate

Breakthrough Genomics
Classification: Benign. Review status: criteria provided, single submitter. Criteria: ACMG Guidelines, 2015. Collection method: not provided. Allele origin: germline. Inheritance: Autosomal dominant inheritance. Affected: yes.

PreventionGenetics, part of Exact Sciences
Classification: Likely benign for RNF213-related condition. Last evaluated: 2021-10-14. Review status: no assertion criteria provided. Collection method: clinical testing. Allele origin: germline. Not counted in ClinVar's aggregate classification.
Comment: This variant is classified as likely benign based on ACMG/AMP sequence variant interpretation guidelines (Richards et al. 2015 PMID: 25741868, with internal and published modifications).

UMR-S1161, Institut national de la santé et de la recherche médicale
Classification: Uncertain significance for Moyamoya disease 2. Last evaluated: 2017-03-03. Review status: no assertion criteria provided. Collection method: research. Allele origin: inherited. Affected: yes. Study: Rare RNF213 variants in Caucasian moyamoya patients. Not counted in ClinVar's aggregate classification.

Literature cited by the submitters: PubMed 25964206 (cited by Mayo Clinic Laboratories, Mayo Clinic); PubMed 30925911 (cited by Mayo Clinic Laboratories, Mayo Clinic); PubMed 37012328 (cited by Mayo Clinic Laboratories, Mayo Clinic).

NM_001256071.3(RNF213):c.5114C>A (p.Thr1705Lys)

Gene: RNF213 (ring finger protein 213; plus strand). Cytogenetic location: 17q25.3.
Variant type: single nucleotide variant.
Coding change: c.5114C>A on transcript NM_001256071.3 (MANE Select); coding-DNA position 5114, C replaced by A.
Protein change: p.Thr1705Lys; replaces threonine 1705 with lysine.
Molecular consequence: missense variant.
Genome position (GRCh38, 1-based): chr17:80,339,481, C>A. VCF-style: chr17-80339481-C-A. GRCh37 (hg19) VCF-style: chr17-78313281-C-A.
Other names: p.Thr1705Lys; short protein forms T1705K.
Identifiers: ClinVar variation 417840 (VCV000417840.37), dbSNP rs147868237, ClinGen allele CA8820317.